The following is an entry in ClinVar:

NM_033026.6(PCLO):c.8360C>T (p.Pro2787Leu)

Gene: PCLO (piccolo presynaptic cytomatrix protein; minus strand). Cytogenetic location: 7q21.11.
Variant type: single nucleotide variant.
Coding change: c.8360C>T on transcript NM_033026.6 (MANE Select); coding-DNA position 8360, C replaced by T.
Protein change: p.Pro2787Leu; replaces proline 2787 with leucine.
Molecular consequence: missense variant.
Genome position (GRCh38, 1-based): chr7:82,952,593, G>A on the plus strand (C>T on the coding strand, the complement: PCLO is on the minus strand). VCF-style: chr7-82952593-G-A. GRCh37 (hg19) VCF-style: chr7-82581909-G-A.
Other names: c.8360C>T, p.Pro2787Leu (NM_014510.3); c.8360C>T (NM_033026.5); short protein forms P2787L.
Identifiers: ClinVar variation 1438312 (VCV001438312.6), dbSNP rs764630900, ClinGen allele CA4320131.
Genomic context (GRCh38, chr7:82,952,593, plus strand): 5'-GTGTAACTTGCACTAGCTGTGCATGTGACAAAGGTCACTGTCTCAGTGGCCAGAGATACA[G>A]GAGTCACTATTGATGATGTCACACTAAGATTTATAATAGAGGGTTGGACAGCACTAATTT-3'
Protein context (NP_149015.2, residues 2777-2797): NLSVTSSIVT[Pro2787Leu]VSLATETVTF

ClinVar aggregate classification (germline): Uncertain significance. Review status: criteria provided, multiple submitters, no conflicts (2 of 4 stars). 2 submissions from 2 submitters: Uncertain significance (2). Last evaluated 2022-08-10.

Conditions:
Inborn genetic diseases. Identifiers: MedGen C0950123, MeSH D030342.

Allele frequency attached by ClinVar (database versions not stated): gnomAD 0.00001; gnomAD exomes 0.00002 and 0.00010; TOPMed 0.00003; ExAC 0.00008.
gnomAD v4.1: 29 of 1,613,828 alleles (0.0018%); highest among the groups gnomAD compares: Admixed American, 0.045%; no homozygotes.

Submissions (2):

Labcorp Genetics (formerly Invitae), Labcorp
Classification: Uncertain significance. Last evaluated: 2022-08-10. Review status: criteria provided, single submitter. Criteria: Invitae Variant Classification Sherloc (09022015). Collection method: clinical testing. Allele origin: germline.
Comment: This sequence change replaces proline, which is neutral and non-polar, with leucine, which is neutral and non-polar, at codon 2787 of the PCLO protein (p.Pro2787Leu). This variant is present in population databases (rs764630900, gnomAD 0.07%). This variant has not been reported in the literature in individuals affected with PCLO-related conditions. ClinVar contains an entry for this variant (Variation ID: 1438312). Algorithms developed to predict the effect of missense changes on protein structure and function are either unavailable or do not agree on the potential impact of this missense change (SIFT: "Deleterious"; PolyPhen-2: "Not Available"; Align-GVGD: "Class C0"). In summary, the available evidence is currently insufficient to determine the role of this variant in disease. Therefore, it has been classified as a Variant of Uncertain Significance.

Ambry Genetics
Classification: Uncertain significance for Inborn genetic diseases. Last evaluated: 2021-08-10. Review status: criteria provided, single submitter. Criteria: Ambry Variant Classification Scheme 2023. Collection method: clinical testing. Allele origin: germline.